The following is an entry in ClinVar:

NM_001018115.3(FANCD2):c.2422A>G (p.Met808Val)

Genes: FANCD2 (FA complementation group D2; plus strand), LOC107303338 (3p25 FANCD2 Alu-mediated recombination region; plus strand). Cytogenetic location: 3p25.3.
Variant type: single nucleotide variant.
Coding change: c.2422A>G on transcript NM_001018115.3 (MANE Select); coding-DNA position 2422, A replaced by G.
Protein change: p.Met808Val; replaces methionine 808 with valine.
Molecular consequence: missense variant.
Genome position (GRCh38, 1-based): chr3:10,067,245, A>G. VCF-style: chr3-10067245-A-G. GRCh37 (hg19) VCF-style: chr3-10108929-A-G.
Other names: c.2422A>G, p.Met808Val (NM_001319984.2, NM_001374254.1, NM_033084.6); c.2311A>G, p.Met771Val (NM_001374253.1); short protein forms M771V, M808V.
Identifiers: ClinVar variation 1059804 (VCV001059804.6), dbSNP rs375415579, ClinGen allele CA70015854.

ClinVar aggregate classification (germline): Uncertain significance (1 of 4 stars; one submission).

Conditions:
Fanconi anemia (FA). Also called: Fanconi's anemia. Identifiers: Orphanet 84, MedGen C0015625, MeSH D005199, MONDO:0019391.

Allele frequency attached by ClinVar (database versions not stated): gnomAD exomes 0.00001; gnomAD 0.00003 and 0.00004; ESP Exome Variant Server 0.00008.
gnomAD v4.1: 17 of 1,613,588 alleles (0.0011%); highest among the groups gnomAD compares: African/African-American, 0.0053%; no homozygotes.

Submission:

Labcorp Genetics (formerly Invitae), Labcorp
Classification: Uncertain significance for Fanconi anemia. Last evaluated: 2021-08-28. Review status: criteria provided, single submitter. Criteria: Invitae Variant Classification Sherloc (09022015). Collection method: clinical testing. Allele origin: germline.
Comment: This sequence change replaces methionine with valine at codon 808 of the FANCD2 protein (p.Met808Val). The methionine residue is moderately conserved and there is a small physicochemical difference between methionine and valine. This variant is not present in population databases (ExAC no frequency). This variant has not been reported in the literature in individuals affected with FANCD2-related conditions. Algorithms developed to predict the effect of missense changes on protein structure and function output the following: SIFT: "Tolerated"; PolyPhen-2: "Benign"; Align-GVGD: "Class C0". The valine amino acid residue is found in multiple mammalian species, which suggests that this missense change does not adversely affect protein function. Algorithms developed to predict the effect of sequence changes on RNA splicing suggest that this variant may create or strengthen a splice site. In summary, the available evidence is currently insufficient to determine the role of this variant in disease. Therefore, it has been classified as a Variant of Uncertain Significance.